The following is an entry in ClinVar:

ClinVar aggregate classification (germline): Conflicting classifications of pathogenicity. Review status: criteria provided, conflicting classifications (1 of 4 stars). 9 submissions from 9 submitters: Uncertain significance (5); Likely benign (2). 2 of the submissions do not count toward it. Last evaluated 2026-01-16.

Conditions:
Cardiovascular phenotype. Identifiers: MedGen CN230736.
Cardiomyopathy (CMYO). Also called: Cardiomyopathies. Identifiers: Orphanet 167848, MedGen C0878544, MONDO:0004994, HP:0001638. Inheritance: Various modes of inheritance.
Myofibrillar myopathy 4. Also called: Zaspopathy (type). Identifiers: Orphanet 98912, MedGen C4721886, MONDO:0012277, OMIM 609452.

Allele frequency attached by ClinVar (database versions not stated): gnomAD 0.00005; gnomAD exomes 0.00008 and 0.00009; TOPMed 0.00009; ExAC 0.00010.

Submissions (9):

Women's Health and Genetics/Laboratory Corporation of America, LabCorp
Classification: Likely benign. Last evaluated: 2026-01-16. Review status: criteria provided, single submitter. Criteria: LabCorp Variant Classification Summary - May 2015. Collection method: clinical testing. Allele origin: germline.
Comment: Variant summary: LDB3 c.610G>A (p.Ala204Thr) results in a non-conservative amino acid change in the encoded protein sequence. Algorithms developed to predict the effect of missense changes on protein structure and function are either unavailable or do not agree on the potential impact of this missense change. The variant allele was found at a frequency of 8.3e-05 in 1611324 control chromosomes. The observed variant frequency exceeds the estimated maximal expected allele frequency for disease-causing variants in LDB3. c.610G>A has been observed in the presumed heterozygous state in 2 individual(s) affected with Hypertrophic Cardiomyopathy or Dilated Cardiomyopathy (example, Micheu_2020, Verdonschot_2020) without strong evidence for causality. These report(s) do not provide unequivocal conclusions about association of the variant with LDB3-related conditions. To our knowledge, no experimental evidence demonstrating an impact on protein function has been reported. The following publications have been ascertained in the context of this evaluation (PMID: 33297573, 32880476). ClinVar contains an entry for this variant (Variation ID: 626705). Based on the evidence outlined above, the variant was classified as likely benign.

Labcorp Genetics (formerly Invitae), Labcorp
Classification: Uncertain significance for Myofibrillar myopathy 4. Last evaluated: 2025-11-21. Review status: criteria provided, single submitter. Criteria: Invitae Variant Classification Sherloc (09022015). Collection method: clinical testing. Allele origin: germline.
Comment: The LDB3 gene has multiple clinically relevant transcripts. This variant occurs in alternate transcript NM_007078.3, and corresponds to NM_001080116.1:c.321+1567G>A in the primary transcript. This sequence change replaces alanine, which is neutral and non-polar, with threonine, which is neutral and polar, at codon 204 of the LDB3 protein (p.Ala204Thr). This variant is present in population databases (rs774976112, gnomAD 0.01%). This missense change has been observed in individual(s) with dilated cardiomyopathy (PMID: 32880476). ClinVar contains an entry for this variant (Variation ID: 626705). Experimental studies and prediction algorithms are not available or were not evaluated, and the functional significance of this variant is currently unknown. Algorithms developed to predict the effect of sequence changes on RNA splicing suggest that this variant is not likely to affect RNA splicing. In summary, the available evidence is currently insufficient to determine the role of this variant in disease. Therefore, it has been classified as a Variant of Uncertain Significance.

Dasa
Classification: Uncertain significance. Last evaluated: 2025-02-20. Review status: criteria provided, single submitter. Criteria: DASA Assertion Criteria. Collection method: clinical testing. Allele origin: germline.
Comment: NM_007078.3(LDB3):c.610G>A (p.Ala204Thr) is a missense variant that results in the substitution of alanine with threonine. This variant is rare in population databases. Computational prediction algorithms are consistent with a benign effect. The currently available literature and clinical evidence are not sufficient to establish a definitive association between this variant and the reported condition. Therefore, this variant is classified as a variant of uncertain significance.

Blueprint Genetics
Classification: Likely benign. Last evaluated: 2024-10-02. Review status: criteria provided, single submitter. Criteria: ACMG Guidelines, 2015. Collection method: clinical testing. Allele origin: germline.

Ambry Genetics
Classification: Uncertain significance for Cardiovascular phenotype. Last evaluated: 2024-09-04. Review status: criteria provided, single submitter. Criteria: Ambry Variant Classification Scheme 2023. Collection method: clinical testing. Allele origin: germline.
Comment: The p.A204T variant (also known as c.610G>A), located in coding exon 4 of the LDB3 gene, results from a G to A substitution at nucleotide position 610. The alanine at codon 204 is replaced by threonine, an amino acid with similar properties. This alteration has been reported in a hypertrophic cardiomyopathy (HCM) cohort and a dilated cardiomyopathy (DCM) cohort; however, clinical details were limited in both cases (Micheu MM et al. Diagnostics (Basel), 2020 Dec;10:[ePub ahead of print]; Verdonschot JAJ et al. Circ Genom Precis Med, 2020 10;13:476-487). This amino acid position is well conserved in available vertebrate species. In addition, the in silico prediction for this alteration is inconclusive. Since supporting evidence is limited at this time, the clinical significance of this alteration remains unclear.

GeneDx
Classification: Uncertain significance. Last evaluated: 2019-03-21. Review status: criteria provided, single submitter. Criteria: GeneDx Variant Classification Process June 2021. Collection method: clinical testing. Allele origin: germline. Affected: yes.
Comment: Has not been previously published as pathogenic or benign to our knowledge; In silico analysis, which includes protein predictors and evolutionary conservation, supports that this variant does not alter protein structure/function; This variant is associated with the following publications: (PMID: 32880476)

CHEO Genetics Diagnostic Laboratory, Children's Hospital of Eastern Ontario
Classification: Uncertain significance for Cardiomyopathy. Last evaluated: 2017-10-18. Review status: criteria provided, single submitter. Criteria: ACMG Guidelines, 2015. Collection method: clinical testing. Allele origin: germline. Study: Canadian Open Genetics Repository.

Diagnostic Laboratory, Department of Genetics, University Medical Center Groningen
Classification: Uncertain significance. Review status: no assertion criteria provided. Collection method: clinical testing. Allele origin: germline. Affected: yes. Study: VKGL Data-share Consensus. Not counted in ClinVar's aggregate classification.

Joint Genome Diagnostic Labs from Nijmegen and Maastricht, Radboudumc and MUMC+
Classification: Uncertain significance. Review status: no assertion criteria provided. Collection method: clinical testing. Allele origin: germline. Affected: yes. Study: VKGL Data-share Consensus. Not counted in ClinVar's aggregate classification.

Literature cited by the submitters: PubMed 33297573 (cited by Women's Health and Genetics/Laboratory Corporation of America, LabCorp and Ambry Genetics); PubMed 32880476 (cited by 3 submitters).

NM_007078.3(LDB3):c.610G>A (p.Ala204Thr)

Gene: LDB3 (LIM domain binding 3; plus strand). Cytogenetic location: 10q23.2.
Variant type: single nucleotide variant.
Coding change: c.610G>A on transcript NM_007078.3 (MANE Select); coding-DNA position 610, G replaced by A.
Protein change: p.Ala204Thr; replaces alanine 204 with threonine.
Molecular consequence: missense variant. On other transcripts: intron variant (5).
Genome position (GRCh38, 1-based): chr10:86,681,724, G>A. VCF-style: chr10-86681724-G-A. GRCh37 (hg19) VCF-style: chr10-88441481-G-A.
Other names: c.321+1567G>A (NM_001080116.1, NM_001368068.1, NM_001368066.1 and 2 more transcripts); c.610G>A, p.Ala204Thr (NM_001080115.2, NM_001171610.2, NM_001171611.2 and 3 more transcripts); short protein forms A204T.
Identifiers: ClinVar variation 626705 (VCV000626705.27), dbSNP rs774976112, ClinGen allele CA5584748.